The following is an entry in ClinVar:

ClinVar aggregate classification (germline): Uncertain significance (1 of 4 stars; one submission).

Submission:

Labcorp Genetics (formerly Invitae), Labcorp
Classification: Uncertain significance. Last evaluated: 2021-03-25. Review status: criteria provided, single submitter. Criteria: Invitae Variant Classification Sherloc (09022015). Collection method: clinical testing. Allele origin: germline.
Comment: This variant is not present in population databases (ExAC no frequency). This sequence change replaces asparagine with lysine at codon 137 of the HELLS protein (p.Asn137Lys). The asparagine residue is moderately conserved and there is a moderate physicochemical difference between asparagine and lysine. This variant has not been reported in the literature in individuals with HELLS-related conditions. In summary, the available evidence is currently insufficient to determine the role of this variant in disease. Therefore, it has been classified as a Variant of Uncertain Significance. Algorithms developed to predict the effect of missense changes on protein structure and function (SIFT, PolyPhen-2, Align-GVGD) all suggest that this variant is likely to be tolerated, but these predictions have not been confirmed by published functional studies and their clinical significance is uncertain.

NM_018063.5(HELLS):c.411T>G (p.Asn137Lys)

Gene: HELLS (helicase, lymphoid specific; plus strand). Cytogenetic location: 10q23.33.
Variant type: single nucleotide variant.
Coding change: c.411T>G on transcript NM_018063.5 (MANE Select); coding-DNA position 411, T replaced by G.
Protein change: p.Asn137Lys; replaces asparagine 137 with lysine.
Molecular consequence: missense variant. On other transcripts: 5 prime UTR variant (2), intron variant (1).
Genome position (GRCh38, 1-based): chr10:94,562,852, T>G. VCF-style: chr10-94562852-T-G. GRCh37 (hg19) VCF-style: chr10-96322609-T-G.
Other names: c.411T>G, p.Asn137Lys (NM_001289067.2, NM_001289069.2, NM_001289070.2 and 1 more transcripts); c.363T>G, p.Asn121Lys (NM_001289068.2); c.39T>G, p.Asn13Lys (NM_001289071.2); c.-592T>G (NM_001289074.2); c.-611T>G (NM_001289075.2); c.21+125T>G (NM_001289073.2); short protein forms N137K, N121K, N13K.
Identifiers: ClinVar variation 1470152 (VCV001470152.8), dbSNP rs2134019543, ClinGen allele CA377655614.